The following is an entry in ClinVar:

ClinVar aggregate classification (germline): Uncertain significance (1 of 4 stars; one submission).

Conditions:
Hereditary cancer-predisposing syndrome. Also called: Hereditary Cancer Syndrome; Hereditary neoplastic syndrome; Tumor predisposition; Neoplastic Syndromes, Hereditary. Identifiers: Orphanet 140162, MedGen C0027672, MeSH D009386, MONDO:0015356.

Submission:

Ambry Genetics
Classification: Uncertain significance for Hereditary cancer-predisposing syndrome. Last evaluated: 2024-11-26. Review status: criteria provided, single submitter. Criteria: Ambry Variant Classification Scheme 2023. Collection method: clinical testing. Allele origin: germline.
Comment: The p.A741T variant (also known as c.2221G>A), located in coding exon 13 of the ALK gene, results from a G to A substitution at nucleotide position 2221. The alanine at codon 741 is replaced by threonine, an amino acid with similar properties. This amino acid position is conserved. In addition, this alteration is predicted to be tolerated by in silico analysis. Based on the available evidence, the clinical significance of this variant remains unclear.

NM_004304.5(ALK):c.2221G>A (p.Ala741Thr)

Gene: ALK (ALK receptor tyrosine kinase; minus strand). Cytogenetic location: 2p23.2.
Variant type: single nucleotide variant.
Coding change: c.2221G>A on transcript NM_004304.5 (MANE Select); coding-DNA position 2221, G replaced by A.
Protein change: p.Ala741Thr; replaces alanine 741 with threonine.
Molecular consequence: missense variant.
Genome position (GRCh38, 1-based): chr2:29,239,814, C>T on the plus strand (G>A on the coding strand, the complement: ALK is on the minus strand). VCF-style: chr2-29239814-C-T. GRCh37 (hg19) VCF-style: chr2-29462680-C-T.
Other names: short protein forms A741T.
Identifiers: ClinVar variation 3525285 (VCV003525285.1).
Genomic context (GRCh38, chr2:29,239,814, plus strand): 5'-CCAGCACAGACACGCCGTGGGACCGCATCATGGTGTTCTTCCCGCCTTTCCCGCCAGCAG[C>T]TCCGTAGCCCGAGATGCTGCAATGGGACAAAGAACGTTGGCTCCCGCTGTGGTATGAAGA-3'
Protein context (NP_004295.2, residues 731-751): TDTYSISGYG[Ala741Thr]AGGKGGKNTM